The following is an entry in ClinVar:

NM_004260.4(RECQL4):c.2405_2409dup (p.Arg804fs)

Gene: RECQL4 (RecQ like helicase 4; minus strand). Cytogenetic location: 8q24.3.
Variant type: Duplication.
Coding change: c.2405_2409dup on transcript NM_004260.4 (MANE Select); coding-DNA positions 2405 to 2409, 5 bases duplicated (TGGGC; older notation c.2405_2409dupTGGGC).
Protein change: p.Arg804fs; shifts the reading frame from arginine 804.
Molecular consequence: frameshift variant.
Genome position (GRCh38, 1-based): chr8:144,513,272-144,513,276, GCCCA duplicated on the plus strand (TGGGC on the coding strand, the reverse complement: RECQL4 is on the minus strand). VCF-style (leftmost placement, unchanged base first): chr8-144513271-G-GGCCCA. GRCh37 (hg19) VCF-style: chr8-145738654-G-GGCCCA.
Other names: short protein forms R804fs.
Identifiers: ClinVar variation 957433 (VCV000957433.8), dbSNP rs1827604419, ClinGen allele CA1139660835.
Genomic context (GRCh38, chr8:144,513,271, plus strand): 5'-TGCCAACCTGGGGCTGCAGGAAGAGGTGGCAGTGGGCAGGCTGCCCGTCACGCCCGGCCC[G>GGCCCA]GCCCACGGCCTGCACGTAGCTCTCGAAGCTTGGGGGCAGCCCCAGATGCAGCACAGCCCG-3'

ClinVar aggregate classification (germline): Pathogenic. Review status: criteria provided, multiple submitters, no conflicts (2 of 4 stars). 2 submissions from 2 submitters: Pathogenic (2). Last evaluated 2024-09-23.

Conditions:
Baller-Gerold syndrome (BGS). Also called: CRANIOSYNOSTOSIS WITH RADIAL DEFECTS. Identifiers: Orphanet 1225, MedGen C0265308, MONDO:0009039, OMIM 218600.

Allele frequency attached by ClinVar (database versions not stated): gnomAD exomes below 0.00001.

Submissions (2):

Dasa
Classification: Pathogenic. Last evaluated: 2024-09-23. Review status: criteria provided, single submitter. Criteria: DASA Assertion Criteria. Collection method: clinical testing. Allele origin: germline.
Comment: NM_004260.4(RECQL4):c.2405_2409dup (p.Arg804Trpfs*41) is a frameshift variant in RECQL4 predicted to alter the reading frame and introduce a premature termination codon and is predicted to result in an absent or altered protein product. Loss of function is an established disease mechanism for RECQL4-associated disorders. This variant has been reported in individuals with RECQL4-related disorders. Also, this variant is rare in population databases. Based on the currently available evidence, this variant is classified as pathogenic.

Labcorp Genetics (formerly Invitae), Labcorp
Classification: Pathogenic for Baller-Gerold syndrome. Last evaluated: 2020-10-15. Review status: criteria provided, single submitter. Criteria: Invitae Variant Classification Sherloc (09022015). Collection method: clinical testing. Allele origin: germline.
Comment: This sequence change creates a premature translational stop signal (p.Arg804Trpfs*41) in the RECQL4 gene. It is expected to result in an absent or disrupted protein product. For these reasons, this variant has been classified as Pathogenic. Loss-of-function variants in RECQL4 are known to be pathogenic (PMID: 12734318, 12952869). This variant has not been reported in the literature in individuals with RECQL4-related conditions. This variant is not present in population databases (ExAC no frequency).

Literature cited by the submitters: PubMed 12734318 (cited by Labcorp Genetics (formerly Invitae), Labcorp); PubMed 12952869 (cited by Labcorp Genetics (formerly Invitae), Labcorp).